The following is an entry in ClinVar:

NM_002439.3(MSH3):c.2814delG

Gene: MSH3 (mutS homolog 3; plus strand). Cytogenetic location: 5q14.1.
Variant type: Deletion.
Coding change: c.2814delG on transcript NM_002439.3; coding-DNA position 2814, one base deleted (G).
Genome position (GRCh38, 1-based): chr5:80,854,130, G deleted; the last of 2 consecutive G bases (chr5:80,854,129-80,854,130); deleting either gives the same sequence. VCF-style (leftmost placement, unchanged base first): chr5-80854128-AG-A. GRCh37 (hg19) VCF-style: chr5-80149947-AG-A.
Identifiers: ClinVar variation 1796363 (VCV001796363.2), dbSNP rs2478771380, ClinGen allele CA2580073530.
Genomic context (GRCh38, chr5:80,854,128, plus strand): 5'-ATGTTCGGCTTCCTAATAAGAAAGTGAAGAGGAAAATCAAGGTGTTTTCATCTTGCTTGT[AG>A]GATGGGTGCTGCAGACAATATATATAAAGGACAGAGTACATTTATGGAAGAACTGACTGA-3'

ClinVar aggregate classification (germline): Pathogenic. Review status: criteria provided, multiple submitters, no conflicts (2 of 4 stars). 2 submissions from 2 submitters: Pathogenic (2). Last evaluated 2023-08-31.

Conditions:
Familial adenomatous polyposis 4 (FAP4). Also called: MSH3-related attenuated familial adenomatous polyposis. Identifiers: Orphanet 480536, MedGen C4310719, MONDO:0044300, OMIM 617100.
Hereditary cancer-predisposing syndrome. Also called: Tumor predisposition; Hereditary Cancer Syndrome; Hereditary neoplastic syndrome; Neoplastic Syndromes, Hereditary. Identifiers: Orphanet 140162, MedGen C0027672, MeSH D009386, MONDO:0015356.

Submissions (2):

Myriad Genetics, Inc.
Classification: Pathogenic for Familial adenomatous polyposis 4. Last evaluated: 2023-08-31. Review status: criteria provided, single submitter. Criteria: Myriad Autosomal Dominant, Autosomal Recessive and X-Linked Classification Criteria (2023). Collection method: clinical testing. Allele origin: unknown.
Comment: This variant is considered pathogenic. This variant creates a frameshift predicted to result in premature protein truncation.

Ambry Genetics
Classification: Pathogenic for Hereditary cancer-predisposing syndrome. Last evaluated: 2020-11-04. Review status: criteria provided, single submitter. Criteria: Ambry General Variant Classification Scheme_2022. Collection method: clinical testing. Allele origin: germline. Observed: 1 variant allele.
Comment: The c.2814delG pathogenic mutation, located in coding exon 21 of the MSH3 gene, results from a deletion of one nucleotide at nucleotide position 2814, causing a translational frameshift with a predicted alternate stop codon (p.M939Wfs*18). This alteration is expected to result in loss of function by premature protein truncation or nonsense-mediated mRNA decay. As such, this alteration is interpreted as a disease-causing mutation.